The following is an entry in ClinVar:

ClinVar aggregate classification (germline): Uncertain significance (1 of 4 stars; one submission).

Submission:

GeneDx
Classification: Uncertain significance. Last evaluated: 2020-11-02. Review status: criteria provided, single submitter. Criteria: GeneDx Variant Classification Process June 2021. Collection method: clinical testing. Allele origin: germline. Affected: yes.
Comment: Not observed in large population cohorts (Lek et al., 2016); In silico analysis supports that this missense variant has a deleterious effect on protein structure/function; Has not been previously published as pathogenic or benign to our knowledge

NM_001098.3(ACO2):c.1438A>G (p.Asn480Asp)

Gene: ACO2 (aconitase 2; plus strand). Cytogenetic location: 22q13.2.
Variant type: single nucleotide variant.
Coding change: c.1438A>G on transcript NM_001098.3 (MANE Select); coding-DNA position 1438, A replaced by G.
Protein change: p.Asn480Asp; replaces asparagine 480 with aspartic acid.
Molecular consequence: missense variant.
Genome position (GRCh38, 1-based): chr22:41,523,897, A>G. VCF-style: chr22-41523897-A-G. GRCh37 (hg19) VCF-style: chr22-41919901-A-G.
Other names: short protein forms N480D.
Identifiers: ClinVar variation 1309004 (VCV001309004.2), dbSNP rs2146136493, ClinGen allele CA411726978.
Genomic context (GRCh38, chr22:41,523,897, plus strand): 5'-ATCAAGAAGGGGGAGAAGAACACAATCGTCACCTCCTACAACAGGAACTTCACGGGCCGC[A>G]ACGACGCAAACCCCGAGACCCATGCCTTTGTCACGTCCCCAGAGGTGAGACTGCCCAGCT-3'
Protein context (NP_001089.1, residues 470-490): TSYNRNFTGR[Asn480Asp]DANPETHAFV